The following is an entry in ClinVar:

NM_004959.5(NR5A1):c.1227C>G (p.Tyr409Ter)

Gene: NR5A1 (nuclear receptor subfamily 5 group A member 1; minus strand). Cytogenetic location: 9q33.3.
Variant type: single nucleotide variant.
Coding change: c.1227C>G on transcript NM_004959.5 (MANE Select); coding-DNA position 1227, C replaced by G.
Protein change: p.Tyr409Ter; replaces tyrosine 409 with a stop codon.
Molecular consequence: nonsense.
Genome position (GRCh38, 1-based): chr9:124,482,917, G>C on the plus strand (C>G on the coding strand, the complement: NR5A1 is on the minus strand). VCF-style: chr9-124482917-G-C. GRCh37 (hg19) VCF-style: chr9-127245196-G-C.
Other names: short protein forms Y409*.
Identifiers: ClinVar variation 583141 (VCV000583141.10), dbSNP rs1564146922, ClinGen allele CA374878700.

ClinVar aggregate classification (germline): Likely pathogenic (1 of 4 stars; one submission).

Conditions:
46 XY differences of sex development. Also called: 46, XY disorder of sex development (DSD); 46,XY disorder of sex development. Identifiers: Orphanet 98085, MedGen C2751824, MONDO:0020040.
Oligosynaptic infertility (SPGF1). Also called: SPERMATOGENIC FAILURE 1; OLIGOCHIASMATIC INFERTILITY. Identifiers: MedGen C0403810, MONDO:0009776, OMIM 258150.

Submission:

Labcorp Genetics (formerly Invitae), Labcorp
Classification: Likely pathogenic for 46 XY differences of sex development; Oligosynaptic infertility. Last evaluated: 2018-05-23. Review status: criteria provided, single submitter. Criteria: Invitae Variant Classification Sherloc (09022015). Collection method: clinical testing. Allele origin: germline.
Comment: This sequence change results in a premature translational stop signal in the NR5A1 gene (p.Tyr409*). While this is not anticipated to result in nonsense mediated decay, it is expected to delete the last 53 amino acids of the NR5A1 protein. This variant is not present in population databases (ExAC no frequency). This variant has been observed in an individual with 46,XY disorder of sex reversal and a family history of hypospadias and asplenia (PMID: 28032338). Algorithms developed to predict the effect of sequence changes on RNA splicing suggest that this variant may create or strengthen a splice site, but this prediction has not been confirmed by published transcriptional studies. The observation of one or more variants downstream of this variant (p.Leu423Trpfs*7, p.Cys412*, p.Glu445*, p.Leu419Gln, p.Gln460Leu, and p.Leu437Gln) in affected individuals suggests that this may be a clinically significant region of the NR5A1 protein (PMID: 28326187, 27899157, 28938747, 17200175, 28033660, 26139438). In summary, the currently available evidence indicates that the variant is pathogenic, but additional data are needed to prove that conclusively. Therefore, this variant has been classified as Likely Pathogenic.

Literature cited by the submitters: PubMed 28032338; PubMed 28326187; PubMed 27899157; PubMed 28938747; PubMed 17200175; PubMed 28033660; PubMed 26139438.